The following is an entry in ClinVar:

NM_001365276.2(TNXB):c.6238C>T (p.Pro2080Ser)

Gene: TNXB (tenascin XB; minus strand). Cytogenetic location: 6p21.33.
Variant type: single nucleotide variant.
Coding change: c.6238C>T on transcript NM_001365276.2 (MANE Select); coding-DNA position 6238, C replaced by T.
Protein change: p.Pro2080Ser; replaces proline 2080 with serine.
Molecular consequence: missense variant.
Genome position (GRCh38, 1-based): chr6:32,067,967, G>A on the plus strand (C>T on the coding strand, the complement: TNXB is on the minus strand). VCF-style: chr6-32067967-G-A. GRCh37 (hg19) VCF-style: chr6-32035744-G-A.
Other names: c.6979C>T, p.Pro2327Ser (NM_001428335.1); c.6238C>T, p.Pro2080Ser (NM_019105.8); short protein forms P2080S, P2327S.
Identifiers: ClinVar variation 4188692 (VCV004188692.1).
Genomic context (GRCh38, chr6:32,067,967, plus strand): 5'-CCCCCAGGAGCGGCTCCTCAGCGGGCTCCGGGGCCTCCATGCTGGGTTCTGTGGGGCTGG[G>A]GGTCTCTTCCTCTGCAGCTGAGAAGGAGGAAGAGAGAGTGAGGGGGATGTCCTTGGGTAC-3'
Protein context (NP_001352205.1, residues 2070-2090): VGVTAAEEET[Pro2080Ser]SPTEPSMEAP

ClinVar aggregate classification (germline): Uncertain significance (1 of 4 stars; one submission).

Conditions:
Cardiovascular phenotype. Identifiers: MedGen CN230736.

Submission:

Ambry Genetics
Classification: Uncertain significance for Cardiovascular phenotype. Last evaluated: 2025-07-12. Review status: criteria provided, single submitter. Criteria: Ambry Variant Classification Scheme 2023. Collection method: clinical testing. Allele origin: germline.
Comment: The p.P2080S variant (also known as c.6238C>T), located in coding exon 17 of the TNXB gene, results from a C to T substitution at nucleotide position 6238. The proline at codon 2080 is replaced by serine, an amino acid with similar properties. This amino acid position is conserved. In addition, this alteration is predicted to be tolerated by in silico analysis. Based on the available evidence, the clinical significance of this variant remains unclear.